The following is an entry in ClinVar:

ClinVar aggregate classification (germline): Uncertain significance (1 of 4 stars; one submission).

Submission:

Labcorp Genetics (formerly Invitae), Labcorp
Classification: Uncertain significance. Last evaluated: 2019-11-21. Review status: criteria provided, single submitter. Criteria: Invitae Variant Classification Sherloc (09022015). Collection method: clinical testing. Allele origin: germline.
Comment: This variant results in a copy number gain of the genomic region encompassing the full coding sequence of the MAK gene. The boundaries of this event are unknown as they extend beyond the assayed region for this gene and therefore may encompass additional genes. As the precise location of this event is unknown, it may be in tandem or it may be located elsewhere in the genome. This variant has not been reported in the literature in individuals with MAK-related conditions. In summary, the available evidence is currently insufficient to determine the role of this variant in disease. Therefore, it has been classified as a Variant of Uncertain Significance.

NC_000006.12:g.(?_10393499)_(11010809_?)dup

Genes: GCNT2 (glucosaminyl (N-acetyl) transferase 2 (I blood group); plus strand), MAK (male germ cell associated kinase; minus strand), TFAP2A (transcription factor AP-2 alpha; minus strand), TMEM14B (transmembrane protein 14B; plus strand), PAK1IP1 (PAK1 interacting protein 1; plus strand) and 5 more. Cytogenetic location: 6p24.3-24.2.
Variant type: Duplication.
Identifiers: ClinVar variation 833506 (VCV000833506.1).